The following is an entry in ClinVar:

NM_006642.5(SDCCAG8):c.2129A>C (p.Gln710Pro)

Genes: AKT3 (AKT serine/threonine kinase 3; minus strand), SDCCAG8 (SHH signaling and ciliogenesis regulator SDCCAG8; plus strand). Cytogenetic location: 1q43.
Variant type: single nucleotide variant.
Coding change: c.2129A>C on transcript NM_006642.5 (MANE Select); coding-DNA position 2129, A replaced by C.
Protein change: p.Gln710Pro; replaces glutamine 710 with proline.
Molecular consequence: missense variant. On other transcripts: 3 prime UTR variant (2).
Genome position (GRCh38, 1-based): chr1:243,499,772, A>C. VCF-style: chr1-243499772-A-C. GRCh37 (hg19) VCF-style: chr1-243663074-A-C.
Other names: c.1369T>G, p.Cys457Gly (NM_001206729.2, NM_181690.2); c.*5477T>G (NM_001370074.1, NM_005465.7); c.1226A>C, p.Gln409Pro (NM_001350246.2, NM_001350247.2, NM_001350251.2); c.2225A>C, p.Gln742Pro (NM_001350248.2); c.1835A>C, p.Gln612Pro (NM_001350249.2); short protein forms Q612P, Q409P, Q742P, C457G, Q710P.
Identifiers: ClinVar variation 4994325 (VCV004994325.1).

ClinVar aggregate classification (germline): Uncertain significance (1 of 4 stars; one submission).

Conditions:
SDCCAG8-related disorder. Also called: SDCCAG8-related condition; SDCCAG8-Related Disorders.

Submission:

PreventionGenetics, part of Exact Sciences
Classification: Uncertain significance for SDCCAG8-related condition. Last evaluated: 2026-04-10. Review status: criteria provided, single submitter. Criteria: ACMG Guidelines, 2015. Collection method: clinical testing. Allele origin: germline.
Comment: The SDCCAG8 c.2129A>C variant is predicted to result in the amino acid substitution p.Gln710Pro. To our knowledge, this variant has not been reported in the literature or in a large population database (gnomAD), indicating this variant is rare. At this time, the clinical significance of this variant is uncertain due to the absence of conclusive functional and genetic evidence.